The following is an entry in ClinVar:

NM_001111.5(ADAR):c.452G>A (p.Gly151Glu)

Gene: ADAR (adenosine deaminase RNA specific; minus strand). Cytogenetic location: 1q21.3.
Variant type: single nucleotide variant.
Coding change: c.452G>A on transcript NM_001111.5 (MANE Select); coding-DNA position 452, G replaced by A.
Protein change: p.Gly151Glu; replaces glycine 151 with glutamic acid.
Molecular consequence: missense variant. On other transcripts: 5 prime UTR variant (6).
Genome position (GRCh38, 1-based): chr1:154,602,190, C>T on the plus strand (G>A on the coding strand, the complement: ADAR is on the minus strand). VCF-style: chr1-154602190-C-T. GRCh37 (hg19) VCF-style: chr1-154574666-C-T.
Other names: c.-434G>A (NM_001025107.3, NM_001193495.2, NM_001365046.1 and 3 more transcripts); c.479G>A, p.Gly160Glu (NM_001365045.1); c.452G>A, p.Gly151Glu (NM_015840.4, NM_015841.4); short protein forms G151E, G160E.
Identifiers: ClinVar variation 2123046 (VCV002123046.4), dbSNP rs2101643855, ClinGen allele CA342602571.

ClinVar aggregate classification (germline): Uncertain significance (1 of 4 stars; one submission).

Conditions:
Aicardi-Goutieres syndrome 6 (AGS6). Identifiers: Orphanet 51, MedGen C3539013, MONDO:0014007, OMIM 615010.
Symmetrical dyschromatosis of extremities (DSH). Also called: RETICULATE ACROPIGMENTATION OF DOHI; SYMMETRIC DYSCHROMATOSIS OF THE EXTREMITIES; Dyschromatosis symmetrica hereditaria; DYSCHROMATOSIS SYMMETRICA HEREDITARIA 1. Identifiers: Orphanet 41, MedGen C0406775, MONDO:0007483, OMIM 127400.

Allele frequency attached by ClinVar (database versions not stated): gnomAD exomes below 0.00001.
gnomAD v4.1: 1 of 1,614,200 alleles (0.000062%); highest among the groups gnomAD compares: Non-Finnish European, 0.000085%; no homozygotes.

Submission:

Labcorp Genetics (formerly Invitae), Labcorp
Classification: Uncertain significance for Aicardi-Goutieres syndrome 6; Symmetrical dyschromatosis of extremities. Last evaluated: 2022-06-02. Review status: criteria provided, single submitter. Criteria: Invitae Variant Classification Sherloc (09022015). Collection method: clinical testing. Allele origin: germline.
Comment: In summary, the available evidence is currently insufficient to determine the role of this variant in disease. Therefore, it has been classified as a Variant of Uncertain Significance. Algorithms developed to predict the effect of missense changes on protein structure and function output the following: SIFT: "Deleterious"; PolyPhen-2: "Benign"; Align-GVGD: "Class C0". The glutamic acid amino acid residue is found in multiple mammalian species, which suggests that this missense change does not adversely affect protein function. This variant has not been reported in the literature in individuals affected with ADAR-related conditions. This variant is not present in population databases (gnomAD no frequency). This sequence change replaces glycine, which is neutral and non-polar, with glutamic acid, which is acidic and polar, at codon 151 of the ADAR protein (p.Gly151Glu).